The following is an entry in ClinVar:

ClinVar aggregate classification (germline): Uncertain significance (1 of 4 stars; one submission).

Allele frequency attached by ClinVar (database versions not stated): ExAC 0.00001; gnomAD 0.00001; gnomAD exomes 0.00001; TOPMed 0.00001.
gnomAD v4.1: 16 of 1,596,228 alleles (0.001%); highest among the groups gnomAD compares: Admixed American, 0.005%; no homozygotes.

Submission:

Labcorp Genetics (formerly Invitae), Labcorp
Classification: Uncertain significance. Last evaluated: 2022-07-12. Review status: criteria provided, single submitter. Criteria: Invitae Variant Classification Sherloc (09022015). Collection method: clinical testing. Allele origin: germline.
Comment: This sequence change replaces asparagine, which is neutral and polar, with serine, which is neutral and polar, at codon 167 of the PPCS protein (p.Asn167Ser). This variant is present in population databases (rs750829177, gnomAD 0.003%). This variant has not been reported in the literature in individuals affected with PPCS-related conditions. ClinVar contains an entry for this variant (Variation ID: 1363084). Algorithms developed to predict the effect of missense changes on protein structure and function output the following: SIFT: "Tolerated"; PolyPhen-2: "Benign"; Align-GVGD: "Class C0". The serine amino acid residue is found in multiple mammalian species, which suggests that this missense change does not adversely affect protein function. In summary, the available evidence is currently insufficient to determine the role of this variant in disease. Therefore, it has been classified as a Variant of Uncertain Significance.

NM_024664.4(PPCS):c.500A>G (p.Asn167Ser)

Genes: CCDC30 (coiled-coil domain containing 30; plus strand), PPCS (phosphopantothenoylcysteine synthetase; plus strand). Cytogenetic location: 1p34.2.
Variant type: single nucleotide variant.
Coding change: c.500A>G on transcript NM_024664.4 (MANE Select); coding-DNA position 500, A replaced by G.
Protein change: p.Asn167Ser; replaces asparagine 167 with serine.
Molecular consequence: missense variant. On other transcripts: intron variant (6), 5 prime UTR variant (1).
Genome position (GRCh38, 1-based): chr1:42,457,065, A>G. VCF-style: chr1-42457065-A-G. GRCh37 (hg19) VCF-style: chr1-42922736-A-G.
Other names: c.-11-182A>G (NM_001287508.2, NM_001077447.3, NM_001287509.2 and 1 more transcripts); c.-193A>G (NM_001287510.2); c.500A>G, p.Asn167Ser (NM_001287511.2); c.-983-182A>G (NM_001355226.2); c.-327-182A>G (NM_001287507.1); short protein forms N167S.
Identifiers: ClinVar variation 1363084 (VCV001363084.42), dbSNP rs750829177, ClinGen allele CA799987.